The following is an entry in ClinVar:

NM_021830.5(TWNK):c.1387C>T (p.Arg463Trp)

Gene: TWNK (twinkle mtDNA helicase; plus strand). Cytogenetic location: 10q24.31.
Variant type: single nucleotide variant.
Coding change: c.1387C>T on transcript NM_021830.5 (MANE Select); coding-DNA position 1387, C replaced by T.
Protein change: p.Arg463Trp; replaces arginine 463 with tryptophan.
Molecular consequence: missense variant. On other transcripts: non-coding transcript variant (5).
Genome position (GRCh38, 1-based): chr10:100,989,787, C>T. VCF-style: chr10-100989787-C-T. GRCh37 (hg19) VCF-style: chr10-102749544-C-T.
Other names: c.1387C>T, p.Arg463Trp (NM_001163812.2); c.25C>T, p.Arg9Trp (NM_001163813.2, NM_001163814.2, NM_001368275.1); short protein forms R463W, R9W.
Identifiers: ClinVar variation 56727 (VCV000056727.7), dbSNP rs386834146, ClinGen allele CA264202.

ClinVar aggregate classification (germline): Conflicting classifications of pathogenicity. Review status: criteria provided, conflicting classifications (1 of 4 stars). 4 submissions from 4 submitters: Pathogenic (1); Likely pathogenic (1); Uncertain significance (1). 1 of the submissions does not count toward it. Last evaluated 2026-04-01.

Conditions:
Possible mitochondrial disorder - nuclear genes.
Infantile onset spinocerebellar ataxia (MTDPS7). Also called: OPHTHALMOPLEGIA, HYPOTONIA, ATAXIA, HYPOACUSIS, AND ATHETOSIS; Mitochondrial DNA depletion syndrome 7 (hepatocerebral type); OHAHA SYNDROME; SPINOCEREBELLAR ATAXIA, INFANTILE, WITH SENSORY NEUROPATHY. Identifiers: Orphanet 1186, MedGen C1849096, MONDO:0010060, OMIM 271245.

Allele frequency attached by ClinVar (database versions not stated): gnomAD exomes 0.00001; ExAC 0.00002.
gnomAD v4.1: 45 of 1,614,062 alleles (0.0028%); highest among the groups gnomAD compares: Non-Finnish European, 0.0036%; no homozygotes.

Submissions (4):

Genetics Laboratory, Great Ormond Street Hospital NHS Foundation Trust, North Thames Genomic Laboratory Hub
Classification: Likely pathogenic for Possible mitochondrial disorder - nuclear genes. Last evaluated: 2026-04-01. Review status: criteria provided, single submitter. Criteria: ACGS Best Practice Guidelines for Variant Classification in Rare Disease 2024 v1.2. Collection method: clinical testing. Allele origin: germline. Affected: yes.
Comment: PS4_moderate, PP3_supporting, PM1_supporting, PP4_moderate

Laboratory of Medical Genetics, National & Kapodistrian University of Athens
Classification: Pathogenic for Infantile onset spinocerebellar ataxia. Last evaluated: 2022-02-18. Review status: criteria provided, single submitter. Criteria: ACMG Guidelines, 2015. Collection method: clinical testing. Allele origin: germline. Affected: yes.
Comment: PM1, PM2, PP2, PP3, PP5

Revvity Omics, Revvity
Classification: Uncertain significance. Last evaluated: 2021-05-03. Review status: criteria provided, single submitter. Criteria: ACMG Guidelines, 2015. Collection method: clinical testing. Allele origin: germline.

Juha Muilu Group; Institute for Molecular Medicine Finland (FIMM)
Classification: Likely pathogenic for Spinocerebellar ataxia, infantile-onset. Review status: no assertion criteria provided. Collection method: not provided. Allele origin: unknown. Not counted in ClinVar's aggregate classification.
Comment: FinDis database variant: This variant was not found or characterized by our laboratory, data were collected from public sources: see reference
ClinVar note: Converted during submission from probable-pathogenic to Likely pathogenic.